The following is an entry in ClinVar:

NM_006915.3(RP2):c.888dup (p.Val297fs)

Gene: RP2 (RP2 activator of ARL3 GTPase; plus strand). Cytogenetic location: Xp11.3.
Variant type: Duplication.
Coding change: c.888dup on transcript NM_006915.3 (MANE Select); coding-DNA position 888, one base duplicated (T; older notation c.888dupT).
Protein change: p.Val297fs; shifts the reading frame from valine 297.
Molecular consequence: frameshift variant.
Genome position (GRCh38, 1-based): chrX:46,877,509, T duplicated. VCF-style (leftmost placement, unchanged base first): chrX-46877508-C-CT. GRCh37 (hg19) VCF-style: chrX-46736943-C-CT.
Other names: short protein forms V297fs.
Identifiers: ClinVar variation 2010939 (VCV002010939.4), dbSNP rs2519928455, ClinGen allele CA2580100994.

ClinVar aggregate classification (germline): Pathogenic (1 of 4 stars; one submission).

Submission:

Labcorp Genetics (formerly Invitae), Labcorp
Classification: Pathogenic. Last evaluated: 2022-06-26. Review status: criteria provided, single submitter. Criteria: Invitae Variant Classification Sherloc (09022015). Collection method: clinical testing. Allele origin: germline.
Comment: This variant is not present in population databases (gnomAD no frequency). This sequence change creates a premature translational stop signal (p.Val297Cysfs*7) in the RP2 gene. It is expected to result in an absent or disrupted protein product. Loss-of-function variants in RP2 are known to be pathogenic (PMID: 11992260, 20625056). This variant has not been reported in the literature in individuals affected with RP2-related conditions. For these reasons, this variant has been classified as Pathogenic.

Literature cited by the submitters: PubMed 11992260; PubMed 20625056.